The following is an entry in ClinVar:

ClinVar aggregate classification (germline): Benign/Likely benign. Review status: criteria provided, multiple submitters, no conflicts (2 of 4 stars). 3 submissions from 3 submitters: Benign (1); Likely benign (1). 1 of the submissions does not count toward it. Last evaluated 2026-01-23.

Conditions:
CREBBP-related disorder. Also called: CREBBP-related condition; CREBBP-related disorders.
Rubinstein-Taybi syndrome (RSTS). Identifiers: Orphanet 783, MedGen C0035934, MONDO:0019188.
Inborn genetic diseases. Identifiers: MedGen C0950123, MeSH D030342.

Allele frequency attached by ClinVar (database versions not stated): gnomAD 0.00005; TOPMed 0.00005; ExAC 0.00006; gnomAD exomes 0.00006.
gnomAD v4.1: 94 of 1,612,396 alleles (0.0058%); highest among the groups gnomAD compares: African/African-American, 0.0093%; no homozygotes.

Submissions (3):

Labcorp Genetics (formerly Invitae), Labcorp
Classification: Benign for Rubinstein-Taybi syndrome. Last evaluated: 2026-01-23. Review status: criteria provided, single submitter. Criteria: Invitae Variant Classification Sherloc (09022015). Collection method: clinical testing. Allele origin: germline.

Ambry Genetics
Classification: Likely benign for Inborn genetic diseases. Last evaluated: 2019-07-11. Review status: criteria provided, single submitter. Criteria: Ambry Variant Classification Scheme 2023. Collection method: clinical testing. Allele origin: germline.

PreventionGenetics, part of Exact Sciences
Classification: Likely benign for CREBBP-related condition. Last evaluated: 2023-01-03. Review status: no assertion criteria provided. Collection method: clinical testing. Allele origin: germline. Not counted in ClinVar's aggregate classification.
Comment: This variant is classified as likely benign based on ACMG/AMP sequence variant interpretation guidelines (Richards et al. 2015 PMID: 25741868, with internal and published modifications).

NM_004380.3(CREBBP):c.6794C>T (p.Ala2265Val)

Gene: CREBBP (CREB binding lysine acetyltransferase; minus strand). Cytogenetic location: 16p13.3.
Variant type: single nucleotide variant.
Coding change: c.6794C>T on transcript NM_004380.3 (MANE Select); coding-DNA position 6794, C replaced by T.
Protein change: p.Ala2265Val; replaces alanine 2265 with valine.
Molecular consequence: missense variant.
Genome position (GRCh38, 1-based): chr16:3,728,253, G>A on the plus strand (C>T on the coding strand, the complement: CREBBP is on the minus strand). VCF-style: chr16-3728253-G-A. GRCh37 (hg19) VCF-style: chr16-3778254-G-A.
Other names: c.6680C>T, p.Ala2227Val (NM_001079846.1); short protein forms A2227V, A2265V.
Identifiers: ClinVar variation 1755464 (VCV001755464.7), dbSNP rs201956327, ClinGen allele CA7868997.